The following is an entry in ClinVar:

NM_001875.5(CPS1):c.1529del (p.Gly510fs)

Gene: CPS1 (carbamoyl-phosphate synthase 1; plus strand). Cytogenetic location: 2q34.
Variant type: Deletion.
Coding change: c.1529del on transcript NM_001875.5 (MANE Select); coding-DNA position 1529, one base deleted (G; older notation c.1529delG).
Protein change: p.Gly510fs; shifts the reading frame from glycine 510.
Molecular consequence: frameshift variant. On other transcripts: non-coding transcript variant (2).
Genome position (GRCh38, 1-based): chr2:210,599,541, G deleted; the last of 2 consecutive G bases (chr2:210,599,540-210,599,541); deleting either gives the same sequence. VCF-style (leftmost placement, unchanged base first): chr2-210599539-TG-T. GRCh37 (hg19) VCF-style: chr2-211464263-TG-T.
Other names: c.1529del (LRG_336t1); c.1529del, p.Gly510fs (NM_001122633.3, NM_001369257.1); c.1562del, p.Gly521fs (NM_001369256.1); c.1529delG (NM_001875.4); short protein forms G510fs, G521fs.
Identifiers: ClinVar variation 553751 (VCV000553751.11), dbSNP rs764384490, ClinGen allele CA2086384.

ClinVar aggregate classification (germline): Pathogenic. Review status: criteria provided, multiple submitters, no conflicts (2 of 4 stars). 7 submissions from 7 submitters: Pathogenic (5). 2 of the submissions do not count toward it. Last evaluated 2026-01-11.

Conditions:
Congenital hyperammonemia, type I. Also called: Carbamoyl phosphate synthetase 1 deficiency; Hyperammonemia due to carbamoyl phosphate synthetase 1 deficiency; CPS 1 deficiency; Carbamyl phosphate synthetase (CPS) deficiency; Carbamoyl-phosphate synthase I deficiency; Carbamoyl phosphate synthetase I deficiency disease. Identifiers: Orphanet 147, MedGen C4082171, MONDO:0009376, OMIM 237300.
Pulmonary hypertension, neonatal, susceptibility to (PHN). Identifiers: MedGen C3714958, MONDO:0014151, OMIM 615371.

Submissions (7):

Labcorp Genetics (formerly Invitae), Labcorp
Classification: Pathogenic for Congenital hyperammonemia, type I. Last evaluated: 2026-01-11. Review status: criteria provided, single submitter. Criteria: Invitae Variant Classification Sherloc (09022015). Collection method: clinical testing. Allele origin: germline.
Comment: This sequence change creates a premature translational stop signal (p.Gly510Alafs*5) in the CPS1 gene. It is expected to result in an absent or disrupted protein product. Loss-of-function variants in CPS1 are known to be pathogenic (PMID: 21120950). This variant is present in population databases (rs764384490, gnomAD 0.02%). This premature translational stop signal has been observed in individual(s) with carbamoyl phosphate synthetase I deficiency (PMID: 15617192). This variant is also known as 1528delG (510-514 ARQLX). ClinVar contains an entry for this variant (Variation ID: 553751). For these reasons, this variant has been classified as Pathogenic.

Natera, Inc.
Classification: Pathogenic for Carbamoyl-phosphate synthase I deficiency. Last evaluated: 2024-08-02. Review status: criteria provided, single submitter. Criteria: Natera Variant Classification Schema (03/2026). Collection method: clinical testing. Allele origin: germline.
Comment: The c.1223G>A variant in PAH is a missense variant predicted to cause substitution of arginine to glutamine at amino acid 408. This variant is rare in the general population with a frequency below the threshold expected for the associated phenotype(s). This variant has been observed in one or more individuals affected with the associated recessive disease, as either homozygous or compound heterozygous with a second variant (PMID: 26322415, 26666653, 27121329). Functional studies show that this variant may disrupt protein function (PMID: 8831077, 10471838). A different variant at the same position has been determined to be Pathogenic or Likely Pathogenic. Computational prediction algorithms indicate this variant is likely to affect gene or protein function. Given the available evidence, this variant is classified as Pathogenic.

Baylor Genetics
Classification: Pathogenic for Pulmonary hypertension, neonatal, susceptibility to. Last evaluated: 2024-01-20. Review status: criteria provided, single submitter. Criteria: ACMG Guidelines, 2015. Collection method: clinical testing. Allele origin: unknown.

Women's Health and Genetics/Laboratory Corporation of America, LabCorp
Classification: Pathogenic for Congenital hyperammonemia, type I. Last evaluated: 2022-06-24. Review status: criteria provided, single submitter. Criteria: LabCorp Variant Classification Summary - May 2015. Collection method: clinical testing. Allele origin: germline.
Comment: Variant summary: CPS1 c.1529delG (p.Gly510AlafsX5) results in a premature termination codon, predicted to cause a truncation of the encoded protein or absence of the protein due to nonsense mediated decay, which are commonly known mechanisms for disease. Truncations downstream of this position have been classified as pathogenic by our laboratory. The variant allele was found at a frequency of 2e-05 in 250518 control chromosomes. c.1529delG has been reported in the literature in multiple individuals affected with Carbamoylphosphate Synthetase I Deficiency in the homozygous and compound heterozygous state (example: Yamaguchi_2016). To our knowledge, no experimental evidence demonstrating an impact on protein function has been reported. Two clinical diagnostic laboratories have submitted clinical-significance assessments for this variant to ClinVar after 2014 without evidence for independent evaluation. All laboratories classified the variant as pathogenic. Based on the evidence outlined above, the variant was classified as pathogenic.

3billion
Classification: Pathogenic for Congenital hyperammonemia, type I. Last evaluated: 2021-10-02. Review status: criteria provided, single submitter. Criteria: ACMG Guidelines, 2015. Collection method: clinical testing. Allele origin: paternal. Affected: yes. Observed: 1 heterozygote.
Comment: Frameshift: predicted to result in a loss or disruption of normal protein function through nonsense-mediated decay (NMD) or protein truncation. Multiple pathogenic variants are reported downstream of the variant (PVS1_VS). It is observed at an extremely low frequency in the gnomAD v2.1.1 dataset (total allele frequency: 0.00002, PM2). The variant was observed in trans with a pathogenic variant (NM_001875.4: c.2339G>A) as compound heterozygous (3billion dataset, PM3). The variant has been reported as pathogenic/likely pathogenic without evidence for the classification (ClinVar ID:VCV000553751.1). Therefore, this variant is classified as pathogenic according to the recommendation of ACMG/AMP guideline.

Counsyl
Classification: Pathogenic for Congenital hyperammonemia, type I. Last evaluated: 2017-09-06. Review status: no assertion criteria provided. Collection method: clinical testing. Allele origin: unknown. Not counted in ClinVar's aggregate classification.

OMIM
Classification: Pathogenic for CARBAMOYL PHOSPHATE SYNTHETASE I DEFICIENCY. Last evaluated: 2007-01-01. Review status: no assertion criteria provided. Collection method: literature only. Allele origin: germline. Not counted in ClinVar's aggregate classification.

Literature cited by the submitters: PubMed 21120950 (cited by Labcorp Genetics (formerly Invitae), Labcorp); PubMed 15617192 (cited by Labcorp Genetics (formerly Invitae), Labcorp); PubMed 26322415 (cited by Natera, Inc.); PubMed 26666653 (cited by Natera, Inc.); PubMed 27121329 (cited by Natera, Inc.); PubMed 8831077 (cited by Natera, Inc.); PubMed 10471838 (cited by Natera, Inc.); PubMed 27150549 (cited by Women's Health and Genetics/Laboratory Corporation of America, LabCorp and Counsyl); PubMed 17310273 (cited by OMIM).